The following is an entry in ClinVar:

NM_003982.4(SLC7A7):c.88C>T (p.Gln30Ter)

Genes: SLC7A7 (solute carrier family 7 member 7; minus strand), LOC130055323 (ATAC-STARR-seq lymphoblastoid silent region 5589; plus strand). Cytogenetic location: 14q11.2.
Variant type: single nucleotide variant.
Coding change: c.88C>T on transcript NM_003982.4 (MANE Select); coding-DNA position 88, C replaced by T.
Protein change: p.Gln30Ter; replaces glutamine 30 with a stop codon.
Molecular consequence: nonsense.
Genome position (GRCh38, 1-based): chr14:22,813,311, G>A on the plus strand (C>T on the coding strand, the complement: SLC7A7 is on the minus strand). VCF-style: chr14-22813311-G-A. GRCh37 (hg19) VCF-style: chr14-23282520-G-A.
Other names: c.88C>T, p.Gln30Ter (NM_001126105.3, NM_001126106.4); short protein forms Q30*.
Identifiers: ClinVar variation 1453292 (VCV001453292.7), dbSNP rs2138663895, ClinGen allele CA388923082.
Genomic context (GRCh38, chr14:22,813,311, plus strand): 5'-TGTTCCCCACAATCAGGCACACGCCGTTAAGCAGTGAGATCTCCTTCTTCAGCTTCACCT[G>A]CTCCGGCCCTGGGCTGGCCCCATCACCCAAAGGGGAGGTTTCCACCTCAGGCTGGGAGGC-3'

ClinVar aggregate classification (germline): Pathogenic/Likely pathogenic. Review status: criteria provided, multiple submitters, no conflicts (2 of 4 stars). 2 submissions from 2 submitters: Pathogenic (1); Likely pathogenic (1). Last evaluated 2022-03-11.

Conditions:
Lysinuric protein intolerance (LPI). Identifiers: Orphanet 470, MedGen C0268647, MONDO:0009109, OMIM 222700.

Submissions (2):

Fulgent Genetics
Classification: Likely pathogenic for Lysinuric protein intolerance. Last evaluated: 2022-03-11. Review status: criteria provided, single submitter. Criteria: ACMG Guidelines, 2015. Collection method: clinical testing. Allele origin: unknown.

Labcorp Genetics (formerly Invitae), Labcorp
Classification: Pathogenic for Lysinuric protein intolerance. Last evaluated: 2021-06-03. Review status: criteria provided, single submitter. Criteria: Invitae Variant Classification Sherloc (09022015). Collection method: clinical testing. Allele origin: germline.
Comment: This variant is not present in population databases (ExAC no frequency). This sequence change creates a premature translational stop signal (p.Gln30*) in the SLC7A7 gene. It is expected to result in an absent or disrupted protein product. Loss-of-function variants in SLC7A7 are known to be pathogenic (PMID: 10631139, 17764084). This variant has not been reported in the literature in individuals with SLC7A7-related conditions. Algorithms developed to predict the effect of sequence changes on RNA splicing suggest that this variant may create or strengthen a splice site, but this prediction has not been confirmed by published transcriptional studies. For these reasons, this variant has been classified as Pathogenic.

Literature cited by the submitters: PubMed 10631139 (cited by Labcorp Genetics (formerly Invitae), Labcorp); PubMed 17764084 (cited by Labcorp Genetics (formerly Invitae), Labcorp).